The following is an entry in ClinVar:

ClinVar aggregate classification (germline): Uncertain significance (1 of 4 stars; one submission).

Conditions:
Pierson syndrome. Also called: MICROCORIA-CONGENITAL NEPHROTIC SYNDROME. Identifiers: Orphanet 2670, MedGen C1836876, MONDO:0012184, OMIM 609049.
LAMB2-related infantile-onset nephrotic syndrome. Also called: NEPHROTIC SYNDROME, TYPE 5, WITHOUT OCULAR ABNORMALITIES; NEPHROTIC SYNDROME, TYPE 5, WITH OCULAR ABNORMALITIES; Nephrotic Syndrome, type 5. Identifiers: Orphanet 306507, MedGen C3280113, MONDO:0013621, OMIM 614199.

Submission:

Labcorp Genetics (formerly Invitae), Labcorp
Classification: Uncertain significance for LAMB2-related infantile-onset nephrotic syndrome; Pierson syndrome. Last evaluated: 2024-02-19. Review status: criteria provided, single submitter. Criteria: Invitae Variant Classification Sherloc (09022015). Collection method: clinical testing. Allele origin: germline.
Comment: This sequence change replaces arginine, which is basic and polar, with proline, which is neutral and non-polar, at codon 1455 of the LAMB2 protein (p.Arg1455Pro). This variant is not present in population databases (gnomAD no frequency). This variant has not been reported in the literature in individuals affected with LAMB2-related conditions. ClinVar contains an entry for this variant (Variation ID: 2066817). An algorithm developed to predict the effect of missense changes on protein structure and function (PolyPhen-2) suggests that this variant is likely to be disruptive. In summary, the available evidence is currently insufficient to determine the role of this variant in disease. Therefore, it has been classified as a Variant of Uncertain Significance.

NM_002292.4(LAMB2):c.4364G>C (p.Arg1455Pro)

Gene: LAMB2 (laminin subunit beta 2; minus strand). Cytogenetic location: 3p21.31.
Variant type: single nucleotide variant.
Coding change: c.4364G>C on transcript NM_002292.4 (MANE Select); coding-DNA position 4364, G replaced by C.
Protein change: p.Arg1455Pro; replaces arginine 1455 with proline.
Molecular consequence: missense variant.
Genome position (GRCh38, 1-based): chr3:49,122,913, C>G on the plus strand (G>C on the coding strand, the complement: LAMB2 is on the minus strand). VCF-style: chr3-49122913-C-G. GRCh37 (hg19) VCF-style: chr3-49160346-C-G.
Other names: short protein forms R1455P.
Identifiers: ClinVar variation 2066817 (VCV002066817.4), dbSNP rs764262021, ClinGen allele CA352693760.
Genomic context (GRCh38, chr3:49,122,913, plus strand): 5'-CTGAGGATGCTACCACCTTCTGCCAGTGCCCGCTGCAGCTCTGCCTGTGTGTGCCGGGCC[C>G]GGCCCAGTGCTAGGTCTGCTGTAGCCGCTGCCCCATTGCAGCTGAGGCCCCCACAGCGCG-3'
Protein context (NP_002283.3, residues 1445-1465): AAATADLALG[Arg1455Pro]ARHTQAELQR